The following is an entry in ClinVar:

ClinVar aggregate classification (germline): Pathogenic (1 of 4 stars; one submission).

Submission:

Labcorp Genetics (formerly Invitae), Labcorp
Classification: Pathogenic. Last evaluated: 2024-10-10. Review status: criteria provided, single submitter. Criteria: Invitae Variant Classification Sherloc (09022015). Collection method: clinical testing. Allele origin: germline.
Comment: This sequence change creates a premature translational stop signal (p.Leu1172Profs*73) in the COL18A1 gene. It is expected to result in an absent or disrupted protein product. Loss-of-function variants in COL18A1 are known to be pathogenic (PMID: 12415512, 25456301). This variant is not present in population databases (gnomAD no frequency). This variant has not been reported in the literature in individuals affected with COL18A1-related conditions. For these reasons, this variant has been classified as Pathogenic.

Literature cited by the submitters: PubMed 12415512; PubMed 25456301.

NM_001379500.1(COL18A1):c.3523dup (p.Leu1175fs)

Genes: COL18A1 (collagen type XVIII alpha 1 chain; plus strand), SLC19A1 (solute carrier family 19 member 1; minus strand). Cytogenetic location: 21q22.3.
Variant type: Duplication.
Coding change: c.3523dup on transcript NM_001379500.1 (MANE Select); coding-DNA position 3523, one base duplicated (C; older notation c.3523dupC).
Protein change: p.Leu1175fs; shifts the reading frame from leucine 1175.
Molecular consequence: frameshift variant.
Genome position (GRCh38, 1-based): chr21:45,510,091, C duplicated; the last of 5 consecutive C bases (chr21:45,510,087-45,510,091); duplicating any one gives the same sequence. VCF-style (leftmost placement, unchanged base first): chr21-45510086-G-GC. GRCh37 (hg19) VCF-style: chr21-46930000-G-GC.
Other names: c.4054dup, p.Leu1352fs (NM_030582.4); c.4759dup, p.Leu1587fs (NM_130444.3); short protein forms L1175fs, L1352fs, L1587fs.
Identifiers: ClinVar variation 3618262 (VCV003618262.2).
Genomic context (GRCh38, chr21:45,510,086, plus strand): 5'-CGTGGGACACAGCCCGTGACGCGCCCCTCTCCCCGCAGCTCCACCTGGTTGCGCTCAACA[G>GC]CCCCCTGTCAGGCGGCATGCGGGGCATCCGCGGGGCCGACTTCCAGTGCTTCCAGCAGGC-3'